The following is an entry in ClinVar:

ClinVar aggregate classification (germline): Likely pathogenic (1 of 4 stars; one submission).

Submission:

Dasa
Classification: Likely pathogenic. Last evaluated: 2026-04-05. Review status: criteria provided, single submitter. Criteria: DASA Assertion Criteria. Collection method: clinical testing. Allele origin: germline.
Comment: NM_001127208.3(TET2):c.2321C>A (p.Ser774*) is a nonsense variant in TET2 predicted to introduce a premature termination codon and is predicted to result in an absent or altered protein product. Loss of function is an established disease mechanism for TET2-associated disorders. Also, this variant is absent from population databases. Based on the currently available evidence, this variant is classified as likely pathogenic.

NM_001127208.3(TET2):c.2321C>A (p.Ser774Ter)

Genes: TET2 (tet methylcytosine dioxygenase 2; plus strand), TET2-AS1 (TET2 antisense RNA 1; minus strand). Cytogenetic location: 4q24.
Variant type: single nucleotide variant.
Coding change: c.2321C>A on transcript NM_001127208.3 (MANE Select); coding-DNA position 2321, C replaced by A.
Protein change: p.Ser774Ter; replaces serine 774 with a stop codon.
Molecular consequence: nonsense.
Genome position (GRCh38, 1-based): chr4:105,236,263, C>A. VCF-style: chr4-105236263-C-A. GRCh37 (hg19) VCF-style: chr4-106157420-C-A.
Other names: c.2321C>A, p.Ser774Ter (NM_017628.4); short protein forms S774*.
Identifiers: ClinVar variation 4880617 (VCV004880617.2).